The following is an entry in ClinVar:

NM_001351132.2(PEX5):c.1769G>A (p.Arg590Gln)

Gene: PEX5 (peroxisomal biogenesis factor 5; plus strand). Cytogenetic location: 12p13.31.
Variant type: single nucleotide variant.
Coding change: c.1769G>A on transcript NM_001351132.2 (MANE Select); coding-DNA position 1769, G replaced by A.
Protein change: p.Arg590Gln; replaces arginine 590 with glutamine.
Molecular consequence: missense variant.
Genome position (GRCh38, 1-based): chr12:7,210,072, G>A. VCF-style: chr12-7210072-G-A. GRCh37 (hg19) VCF-style: chr12-7362668-G-A.
Other names: c.1658G>A, p.Arg553Gln (NM_001131024.2, NM_001351124.3, NM_001351126.2 and 7 more transcripts); c.1769G>A, p.Arg590Gln (NM_001131025.2, NM_001131026.2, NM_001300789.3 and 4 more transcripts); c.1745G>A, p.Arg582Gln (NM_000319.5); c.1814G>A, p.Arg605Gln (NM_001131023.2); c.1703G>A, p.Arg568Gln (NM_001351135.3, NM_001351138.2); c.1760G>A, p.Arg587Gln (NM_001351136.2); c.1634G>A, p.Arg545Gln (NM_001351139.2, NM_001351140.2, NM_001374649.2); short protein forms R568Q, R587Q, R545Q, R553Q, R590Q, R605Q, R582Q.
Identifiers: ClinVar variation 861592 (VCV000861592.6), dbSNP rs779049461, ClinGen allele CA6426583.
Genomic context (GRCh38, chr12:7,210,072, plus strand): 5'-TTCCTTACAGGGAGGCTGTGGAGCACTTTCTGGAGGCCCTGAACATGCAGAGGAAAAGCC[G>A]GGGCCCCCGGGGTGAAGGAGGTGCCATGTCGGAGAACATCTGGAGCACCCTGCGTTTGGC-3'
Protein context (NP_001338061.1, residues 580-600): LEALNMQRKS[Arg590Gln]GPRGEGGAMS

ClinVar aggregate classification (germline): Uncertain significance. Review status: criteria provided, multiple submitters, no conflicts (2 of 4 stars). 2 submissions from 2 submitters: Uncertain significance (2). Last evaluated 2024-01-22.

Conditions:
Peroxisome biogenesis disorder 2B (PBD2B). Identifiers: Orphanet 44, MedGen C3550234, MONDO:0008736, OMIM 202370.
Inborn genetic diseases. Identifiers: MedGen C0950123, MeSH D030342.

Allele frequency attached by ClinVar (database versions not stated): gnomAD 0.00002 and 0.00003; TOPMed 0.00003; gnomAD exomes 0.00005 and 0.00006; ExAC 0.00007.
gnomAD v4.1: 73 of 1,614,086 alleles (0.0045%); highest among the groups gnomAD compares: South Asian, 0.03%; no homozygotes.

Submissions (2):

Labcorp Genetics (formerly Invitae), Labcorp
Classification: Uncertain significance for Peroxisome biogenesis disorder 2B. Last evaluated: 2024-01-22. Review status: criteria provided, single submitter. Criteria: Invitae Variant Classification Sherloc (09022015). Collection method: clinical testing. Allele origin: germline.
Comment: This sequence change replaces arginine, which is basic and polar, with glutamine, which is neutral and polar, at codon 590 of the PEX5 protein (p.Arg590Gln). This variant is present in population databases (rs779049461, gnomAD 0.03%). This variant has not been reported in the literature in individuals affected with PEX5-related conditions. ClinVar contains an entry for this variant (Variation ID: 861592). Advanced modeling of protein sequence and biophysical properties (such as structural, functional, and spatial information, amino acid conservation, physicochemical variation, residue mobility, and thermodynamic stability) performed at Invitae indicates that this missense variant is not expected to disrupt PEX5 protein function with a negative predictive value of 80%. In summary, the available evidence is currently insufficient to determine the role of this variant in disease. Therefore, it has been classified as a Variant of Uncertain Significance.

Ambry Genetics
Classification: Uncertain significance for Inborn genetic diseases. Last evaluated: 2022-06-03. Review status: criteria provided, single submitter. Criteria: Ambry Variant Classification Scheme 2023. Collection method: clinical testing. Allele origin: germline.